The following is an entry in ClinVar:

ClinVar aggregate classification (germline): Uncertain significance (1 of 4 stars; one submission).

Submission:

GeneDx
Classification: Uncertain significance. Last evaluated: 2026-02-27. Review status: criteria provided, single submitter. Criteria: GeneDx Variant Classification Process June 2021. Collection method: clinical testing. Allele origin: germline.
Comment: Not observed at significant frequency in large population cohorts (gnomAD); In silico analysis suggests that this missense variant does not alter protein structure/function; Has not been previously published as pathogenic or benign to our knowledge

NM_001042424.3(NSD2):c.949A>G (p.Lys317Glu)

Gene: NSD2 (nuclear receptor binding SET domain protein 2; plus strand). Cytogenetic location: 4p16.3.
Variant type: single nucleotide variant.
Coding change: c.949A>G on transcript NM_001042424.3 (MANE Select); coding-DNA position 949, A replaced by G.
Protein change: p.Lys317Glu; replaces lysine 317 with glutamic acid.
Molecular consequence: missense variant. On other transcripts: 5 prime UTR variant (2).
Genome position (GRCh38, 1-based): chr4:1,918,162, A>G. VCF-style: chr4-1918162-A-G. GRCh37 (hg19) VCF-style: chr4-1919889-A-G.
Other names: c.949A>G, p.Lys317Glu (NM_001440892.1, NM_001440894.1, NM_001440895.1 and 8 more transcripts); c.1048A>G, p.Lys350Glu (NM_001440893.1); c.-21A>G (NM_001440899.1, NM_001440900.1); short protein forms K317E, K350E.
Identifiers: ClinVar variation 5008181 (VCV005008181.1).